The following is an entry in ClinVar:

ClinVar aggregate classification (germline): Uncertain significance. Review status: criteria provided, multiple submitters, no conflicts (2 of 4 stars). 2 submissions from 2 submitters: Uncertain significance (2). Last evaluated 2022-08-24.

Conditions:
Ataxia-telangiectasia syndrome (AT). Also called: LOUIS-BAR SYNDROME; Ataxia-telangiectasia, complementation group E; Ataxia-telangiectasia, complementation group D; AT, COMPLEMENTATION GROUP C; Ataxia telangiectasia (A-T); Cerebello-oculocutaneous telangiectasia. Identifiers: Orphanet 100, MedGen C0004135, MONDO:0008840, OMIM 208900.

Submissions (2):

GeneDx
Classification: Uncertain significance. Last evaluated: 2022-08-24. Review status: criteria provided, single submitter. Criteria: GeneDx Variant Classification Process June 2021. Collection method: clinical testing. Allele origin: germline. Affected: yes.
Comment: Not observed at significant frequency in large population cohorts (gnomAD); In silico analysis supports that this missense variant does not alter protein structure/function; Has not been previously published as pathogenic or benign to our knowledge

Labcorp Genetics (formerly Invitae), Labcorp
Classification: Uncertain significance for Ataxia-telangiectasia syndrome. Last evaluated: 2018-11-06. Review status: criteria provided, single submitter. Criteria: Invitae Variant Classification Sherloc (09022015). Collection method: clinical testing. Allele origin: germline.
Comment: This sequence change replaces threonine with isoleucine at codon 913 of the ATM protein (p.Thr913Ile). The threonine residue is weakly conserved and there is a moderate physicochemical difference between threonine and isoleucine. This variant is not present in population databases (ExAC no frequency). This variant has not been reported in the literature in individuals with ATM-related disease. In summary, the available evidence is currently insufficient to determine the role of this variant in disease. Therefore, it has been classified as a Variant of Uncertain Significance. Algorithms developed to predict the effect of missense changes on protein structure and function (SIFT, PolyPhen-2, Align-GVGD) all suggest that this variant is likely to be tolerated, but these predictions have not been confirmed by published functional studies and their clinical significance is uncertain.

NM_000051.4(ATM):c.2738C>T (p.Thr913Ile)

Gene: ATM (ATM serine/threonine kinase; plus strand). Cytogenetic location: 11q22.3.
Variant type: single nucleotide variant.
Coding change: c.2738C>T on transcript NM_000051.4 (MANE Select); coding-DNA position 2738, C replaced by T.
Protein change: p.Thr913Ile; replaces threonine 913 with isoleucine.
Molecular consequence: missense variant.
Genome position (GRCh38, 1-based): chr11:108,268,509, C>T. VCF-style: chr11-108268509-C-T. GRCh37 (hg19) VCF-style: chr11-108139236-C-T.
Other names: c.2738C>T, p.Thr913Ile (NM_001351834.2); short protein forms T913I.
Identifiers: ClinVar variation 643801 (VCV000643801.9), dbSNP rs1266220962, ClinGen allele CA382545385.